The following is an entry in ClinVar:

NM_000388.4(CASR):c.2920A>T (p.Thr974Ser)

Gene: CASR (calcium sensing receptor; plus strand). Cytogenetic location: 3q21.1.
Variant type: single nucleotide variant.
Coding change: c.2920A>T on transcript NM_000388.4 (MANE Select); coding-DNA position 2920, A replaced by T.
Protein change: p.Thr974Ser; replaces threonine 974 with serine.
Molecular consequence: missense variant.
Genome position (GRCh38, 1-based): chr3:122,284,874, A>T. VCF-style: chr3-122284874-A-T. GRCh37 (hg19) VCF-style: chr3-122003721-A-T.
Other names: c.2950A>T, p.Thr984Ser (NM_001178065.2); short protein forms T974S, T984S.
Identifiers: ClinVar variation 64434 (VCV000064434.2), dbSNP rs387907396, ClinGen allele CA216132.

ClinVar aggregate classification (germline): Uncertain significance (0 of 4 stars; one submission).

Submission:

Martin Pollak Laboratory,  Beth Israel Deaconess Medical Center
Classification: Uncertain significance. Review status: no assertion criteria provided. Collection method: not provided. Allele origin: unknown.
Comment: Higher UCa2+ group
ClinVar note: Converted during submission from unknown to Uncertain significance.